The following is an entry in ClinVar:

ClinVar aggregate classification (germline): Uncertain significance. Review status: criteria provided, multiple submitters, no conflicts (2 of 4 stars). 4 submissions from 4 submitters: Uncertain significance (4). Last evaluated 2024-08-16.

Conditions:
Hereditary cancer-predisposing syndrome. Also called: Hereditary neoplastic syndrome; Hereditary Cancer Syndrome; Tumor predisposition; Neoplastic Syndromes, Hereditary. Identifiers: Orphanet 140162, MedGen C0027672, MeSH D009386, MONDO:0015356.
Birt-Hogg-Dube syndrome. Also called: Birt Hogg Dubé syndrome. Identifiers: Orphanet 122, MedGen C0346010, MONDO:0800444.

Submissions (4):

Ambry Genetics
Classification: Uncertain significance for Hereditary cancer-predisposing syndrome. Last evaluated: 2024-08-16. Review status: criteria provided, single submitter. Criteria: Ambry Variant Classification Scheme 2023. Collection method: clinical testing. Allele origin: germline.
Comment: The p.C253W variant (also known as c.759C>G), located in coding exon 4 of the FLCN gene, results from a C to G substitution at nucleotide position 759. The cysteine at codon 253 is replaced by tryptophan, an amino acid with highly dissimilar properties. This amino acid position is well conserved in available vertebrate species. In addition, the in silico prediction for this alteration is inconclusive. Since supporting evidence is limited at this time, the clinical significance of this alteration remains unclear.

Labcorp Genetics (formerly Invitae), Labcorp
Classification: Uncertain significance for Birt-Hogg-Dube syndrome. Last evaluated: 2023-10-23. Review status: criteria provided, single submitter. Criteria: Invitae Variant Classification Sherloc (09022015). Collection method: clinical testing. Allele origin: germline.
Comment: This sequence change replaces cysteine, which is neutral and slightly polar, with tryptophan, which is neutral and slightly polar, at codon 253 of the FLCN protein (p.Cys253Trp). This variant is not present in population databases (gnomAD no frequency). This variant has not been reported in the literature in individuals affected with FLCN-related conditions. ClinVar contains an entry for this variant (Variation ID: 971159). Advanced modeling of protein sequence and biophysical properties (such as structural, functional, and spatial information, amino acid conservation, physicochemical variation, residue mobility, and thermodynamic stability) performed at Invitae indicates that this missense variant is not expected to disrupt FLCN protein function. In summary, the available evidence is currently insufficient to determine the role of this variant in disease. Therefore, it has been classified as a Variant of Uncertain Significance.

Baylor Genetics
Classification: Uncertain significance for Birt-Hogg-Dube syndrome 1. Last evaluated: 2023-07-14. Review status: criteria provided, single submitter. Criteria: ACMG Guidelines, 2015. Collection method: clinical testing. Allele origin: unknown.

GeneDx
Classification: Uncertain significance. Last evaluated: 2022-12-14. Review status: criteria provided, single submitter. Criteria: GeneDx Variant Classification Process June 2021. Collection method: clinical testing. Allele origin: germline. Affected: yes.
Comment: Not observed at significant frequency in large population cohorts (gnomAD); In silico analysis supports that this missense variant does not alter protein structure/function; Has not been previously published as pathogenic or benign to our knowledge

NM_144997.7(FLCN):c.759C>G (p.Cys253Trp)

Gene: FLCN (folliculin; minus strand). Cytogenetic location: 17p11.2.
Variant type: single nucleotide variant.
Coding change: c.759C>G on transcript NM_144997.7 (MANE Select); coding-DNA position 759, C replaced by G.
Protein change: p.Cys253Trp; replaces cysteine 253 with tryptophan.
Molecular consequence: missense variant.
Genome position (GRCh38, 1-based): chr17:17,222,521, G>C on the plus strand (C>G on the coding strand, the complement: FLCN is on the minus strand). VCF-style: chr17-17222521-G-C. GRCh37 (hg19) VCF-style: chr17-17125835-G-C.
Other names: c.813C>G, p.Cys271Trp (NM_001353229.2); c.759C>G, p.Cys253Trp (NM_001353230.2, NM_001353231.2, NM_144606.7); short protein forms C253W, C271W.
Identifiers: ClinVar variation 971159 (VCV000971159.10), dbSNP rs2047123235, ClinGen allele CA398533855.